The following is an entry in ClinVar:

ClinVar aggregate classification (germline): Uncertain significance. Review status: criteria provided, multiple submitters, no conflicts (2 of 4 stars). 2 submissions from 2 submitters: Uncertain significance (2). Last evaluated 2025-05-05.

Conditions:
Inborn genetic diseases. Identifiers: MedGen C0950123, MeSH D030342.

Allele frequency attached by ClinVar (database versions not stated): TOPMed 0.00004; gnomAD exomes 0.00001 and 0.00002; gnomAD 0.00004; ExAC 0.00001.
gnomAD v4.1: 13 of 1,614,138 alleles (0.00081%); highest among the groups gnomAD compares: African/African-American, 0.004%; no homozygotes.

Submissions (2):

Ambry Genetics
Classification: Uncertain significance for Inborn genetic diseases. Last evaluated: 2025-05-05. Review status: criteria provided, single submitter. Criteria: Ambry Variant Classification Scheme 2023. Collection method: clinical testing. Allele origin: germline.

Labcorp Genetics (formerly Invitae), Labcorp
Classification: Uncertain significance. Last evaluated: 2022-06-28. Review status: criteria provided, single submitter. Criteria: Invitae Variant Classification Sherloc (09022015). Collection method: clinical testing. Allele origin: germline.
Comment: In summary, the available evidence is currently insufficient to determine the role of this variant in disease. Therefore, it has been classified as a Variant of Uncertain Significance. Advanced modeling of protein sequence and biophysical properties (such as structural, functional, and spatial information, amino acid conservation, physicochemical variation, residue mobility, and thermodynamic stability) performed at Invitae indicates that this missense variant is not expected to disrupt CDHR1 protein function. This variant has not been reported in the literature in individuals affected with CDHR1-related conditions. This variant is present in population databases (rs751760668, gnomAD 0.007%). This sequence change replaces glutamic acid, which is acidic and polar, with glutamine, which is neutral and polar, at codon 551 of the CDHR1 protein (p.Glu551Gln).

NM_033100.4(CDHR1):c.1651G>C (p.Glu551Gln)

Gene: CDHR1 (cadherin related family member 1; plus strand). Cytogenetic location: 10q23.1.
Variant type: single nucleotide variant.
Coding change: c.1651G>C on transcript NM_033100.4 (MANE Select); coding-DNA position 1651, G replaced by C.
Protein change: p.Glu551Gln; replaces glutamic acid 551 with glutamine.
Molecular consequence: missense variant.
Genome position (GRCh38, 1-based): chr10:84,212,276, G>C. VCF-style: chr10-84212276-G-C. GRCh37 (hg19) VCF-style: chr10-85972032-G-C.
Other names: c.1651G>C, p.Glu551Gln (NM_001171971.3); c.1651G>C (NM_033100.2); short protein forms E551Q.
Identifiers: ClinVar variation 1403410 (VCV001403410.5), dbSNP rs751760668, ClinGen allele CA5580011.
Genomic context (GRCh38, chr10:84,212,276, plus strand): 5'-CAGCCCTGGGCTAGCCTGGACGCTGAGGCCACTGCCAGGTACAACTTCTATGTGAAGGCA[G>C]AGGACATGGAAGGCAAGTACAGCGTAGCTGAGGTGTTTATCACACTGCTGGATGTCAATG-3'
Protein context (NP_149091.1, residues 541-561): TARYNFYVKA[Glu551Gln]DMEGKYSVAE